The following is an entry in ClinVar:

ClinVar aggregate classification (germline): Uncertain significance. Review status: criteria provided, multiple submitters, no conflicts (2 of 4 stars). 4 submissions from 4 submitters: Uncertain significance (4). Last evaluated 2025-07-10.

Conditions:
Bloom syndrome (BLM). Also called: Bloom-Torre-Machacek syndrome. Identifiers: Orphanet 125, MedGen C0005859, MONDO:0008876, OMIM 210900.
Hereditary cancer-predisposing syndrome. Also called: Tumor predisposition; Hereditary neoplastic syndrome; Neoplastic Syndromes, Hereditary; Hereditary Cancer Syndrome. Identifiers: Orphanet 140162, MedGen C0027672, MeSH D009386, MONDO:0015356.

Allele frequency attached by ClinVar (database versions not stated): TOPMed below 0.00001; ExAC 0.00001; gnomAD 0.00001; gnomAD exomes 0.00001.
gnomAD v4.1: 5 of 1,614,056 alleles (0.00031%); highest among the groups gnomAD compares: African/African-American, 0.0013%; no homozygotes.

Submissions (4):

Labcorp Genetics (formerly Invitae), Labcorp
Classification: Uncertain significance for Bloom syndrome. Last evaluated: 2025-07-10. Review status: criteria provided, single submitter. Criteria: Invitae Variant Classification Sherloc (09022015). Collection method: clinical testing. Allele origin: germline.
Comment: This sequence change replaces arginine, which is basic and polar, with glutamine, which is neutral and polar, at codon 959 of the BLM protein (p.Arg959Gln). This variant is present in population databases (rs772585415, gnomAD 0.007%). This variant has not been reported in the literature in individuals affected with BLM-related conditions. ClinVar contains an entry for this variant (Variation ID: 845561). Invitae Evidence Modeling of protein sequence and biophysical properties (such as structural, functional, and spatial information, amino acid conservation, physicochemical variation, residue mobility, and thermodynamic stability) indicates that this missense variant is expected to disrupt BLM protein function with a positive predictive value of 80%. In summary, the available evidence is currently insufficient to determine the role of this variant in disease. Therefore, it has been classified as a Variant of Uncertain Significance.

Ambry Genetics
Classification: Uncertain significance for Hereditary cancer-predisposing syndrome. Last evaluated: 2025-01-24. Review status: criteria provided, single submitter. Criteria: Ambry Variant Classification Scheme 2023. Collection method: clinical testing. Allele origin: germline.
Comment: The p.R959Q variant (also known as c.2876G>A), located in coding exon 14 of the BLM gene, results from a G to A substitution at nucleotide position 2876. The arginine at codon 959 is replaced by glutamine, an amino acid with highly similar properties. This amino acid position is highly conserved in available vertebrate species. In addition, this alteration is predicted to be deleterious by in silico analysis. Since supporting evidence is limited at this time, the clinical significance of this alteration remains unclear.

Quest Diagnostics Nichols Institute San Juan Capistrano
Classification: Uncertain significance. Last evaluated: 2023-02-22. Review status: criteria provided, single submitter. Criteria: Quest Diagnostics criteria. Collection method: clinical testing. Allele origin: unknown.
Comment: The variant has not been reported in the published literature. The frequency of this variant in the general population, 0.000008 (2/251436 chromosomes), is uninformative in assessment of its pathogenicity. Analysis of this variant using bioinformatics tools for the prediction of the effect of amino acid changes on protein structure and function yielded predictions that this variant is damaging. Based on the available information, we are unable to determine the clinical significance of this variant.

GeneDx
Classification: Uncertain significance. Last evaluated: 2022-04-14. Review status: criteria provided, single submitter. Criteria: GeneDx Variant Classification Process June 2021. Collection method: clinical testing. Allele origin: germline. Affected: yes.
Comment: In silico analysis supports that this missense variant has a deleterious effect on protein structure/function; Has not been previously published as pathogenic or benign to our knowledge

NM_000057.4(BLM):c.2876G>A (p.Arg959Gln)

Gene: BLM (BLM RecQ like helicase; plus strand). Cytogenetic location: 15q26.1.
Variant type: single nucleotide variant.
Coding change: c.2876G>A on transcript NM_000057.4 (MANE Select); coding-DNA position 2876, G replaced by A.
Protein change: p.Arg959Gln; replaces arginine 959 with glutamine.
Molecular consequence: missense variant.
Genome position (GRCh38, 1-based): chr15:90,790,701, G>A. VCF-style: chr15-90790701-G-A. GRCh37 (hg19) VCF-style: chr15-91333931-G-A.
Other names: c.2876G>A, p.Arg959Gln (NM_001287246.2, NM_001287247.2); c.1751G>A, p.Arg584Gln (NM_001287248.2); short protein forms R584Q, R959Q.
Identifiers: ClinVar variation 845561 (VCV000845561.14), dbSNP rs772585415, ClinGen allele CA7738889.
Genomic context (GRCh38, chr15:90,790,701, plus strand): 5'-TATATCAGGTTATCTGTGCTACAATTGCATTTGGAATGGGGATTGACAAACCGGACGTGC[G>A]ATTTGTGATTCATGCATCTCTCCCTAAATCTGTGGAGGGTTACTACCAAGAATCTGGCAG-3'
Protein context (NP_000048.1, residues 949-969): FGMGIDKPDV[Arg959Gln]FVIHASLPKS